The following is an entry in ClinVar:

NM_001318895.3(FHL2):c.162G>T (p.Leu54Phe)

Genes: FHL2 (four and a half LIM domains 2; minus strand), C2orf49 (chromosome 2 open reading frame 49; plus strand). Cytogenetic location: 2q12.2.
Variant type: single nucleotide variant.
Coding change: c.162G>T on transcript NM_001318895.3 (MANE Select); coding-DNA position 162, G replaced by T.
Protein change: p.Leu54Phe; replaces leucine 54 with phenylalanine.
Molecular consequence: missense variant. On other transcripts: 5 prime UTR variant (1), intron variant (2).
Genome position (GRCh38, 1-based): chr2:105,373,728, C>A on the plus strand (G>T on the coding strand, the complement: FHL2 is on the minus strand). VCF-style: chr2-105373728-C-A. GRCh37 (hg19) VCF-style: chr2-105990185-C-A.
Other names: c.162G>T, p.Leu54Phe (NM_001039492.3, NM_001318894.1, NM_001318896.2 and 4 more transcripts); c.-163G>T (NM_001318899.2); c.-11-5989G>T (NM_001318897.2, NM_001318898.2); short protein forms L54F.
Identifiers: ClinVar variation 2002331 (VCV002002331.4), dbSNP rs903879732, ClinGen allele CA53357346.

ClinVar aggregate classification (germline): Uncertain significance (1 of 4 stars; one submission).

Conditions:
Primary dilated cardiomyopathy (DCM). Also called: Dilated Cardiomyopathy. Identifiers: Orphanet 217604, MedGen C0007193, MeSH D002311, MONDO:0005021, HP:0001644. Inheritance: Various modes of inheritance.

Submission:

Labcorp Genetics (formerly Invitae), Labcorp
Classification: Uncertain significance for Primary dilated cardiomyopathy. Last evaluated: 2022-06-03. Review status: criteria provided, single submitter. Criteria: Invitae Variant Classification Sherloc (09022015). Collection method: clinical testing. Allele origin: germline.
Comment: This variant has not been reported in the literature in individuals affected with FHL2-related conditions. In summary, the available evidence is currently insufficient to determine the role of this variant in disease. Therefore, it has been classified as a Variant of Uncertain Significance. Algorithms developed to predict the effect of missense changes on protein structure and function are either unavailable or do not agree on the potential impact of this missense change (SIFT: "Deleterious"; PolyPhen-2: "Probably Damaging"; Align-GVGD: "Class C15"). This variant is not present in population databases (gnomAD no frequency). This sequence change replaces leucine, which is neutral and non-polar, with phenylalanine, which is neutral and non-polar, at codon 54 of the FHL2 protein (p.Leu54Phe).